The following is an entry in ClinVar:

ClinVar aggregate classification (germline): Uncertain significance. Review status: criteria provided, single submitter (1 of 4 stars). 2 submissions from 2 submitters: Uncertain significance (1). 1 of the submissions does not count toward it. Last evaluated 2023-07-28.

Conditions:
FBN2-related disorder. Also called: FBN2-related condition.
Congenital contractural arachnodactyly (CCA). Also called: BEALS SYNDROME; Beals-Hecht syndrome; Arthrogryposis, distal, type 9. Identifiers: Orphanet 115, MedGen C0220668, MONDO:0007363, OMIM 121050.

gnomAD v4.1: 2 of 1,613,922 alleles (0.00012%); highest among the groups gnomAD compares: Non-Finnish European, 0.00017%; no homozygotes.

Submissions (2):

Labcorp Genetics (formerly Invitae), Labcorp
Classification: Uncertain significance for Congenital contractural arachnodactyly. Last evaluated: 2023-07-28. Review status: criteria provided, single submitter. Criteria: Invitae Variant Classification Sherloc (09022015). Collection method: clinical testing. Allele origin: germline.
Comment: In summary, the available evidence is currently insufficient to determine the role of this variant in disease. Therefore, it has been classified as a Variant of Uncertain Significance. Advanced modeling of protein sequence and biophysical properties (such as structural, functional, and spatial information, amino acid conservation, physicochemical variation, residue mobility, and thermodynamic stability) performed at Invitae indicates that this missense variant is not expected to disrupt FBN2 protein function. ClinVar contains an entry for this variant (Variation ID: 959871). This variant has not been reported in the literature in individuals affected with FBN2-related conditions. This variant is not present in population databases (gnomAD no frequency). This sequence change replaces proline, which is neutral and non-polar, with serine, which is neutral and polar, at codon 686 of the FBN2 protein (p.Pro686Ser).

PreventionGenetics, part of Exact Sciences
Classification: Uncertain significance for FBN2-related condition. Last evaluated: 2024-09-25. Review status: no assertion criteria provided. Collection method: clinical testing. Allele origin: germline. Not counted in ClinVar's aggregate classification.
Comment: The FBN2 c.2056C>T variant is predicted to result in the amino acid substitution p.Pro686Ser. To our knowledge, this variant has not been reported in the literature or in a large population database, indicating this variant is rare. At this time, the clinical significance of this variant is uncertain due to the absence of conclusive functional and genetic evidence.

NM_001999.4(FBN2):c.2056C>T (p.Pro686Ser)

Gene: FBN2 (fibrillin 2; minus strand). Cytogenetic location: 5q23.3.
Variant type: single nucleotide variant.
Coding change: c.2056C>T on transcript NM_001999.4 (MANE Select); coding-DNA position 2056, C replaced by T.
Protein change: p.Pro686Ser; replaces proline 686 with serine.
Molecular consequence: missense variant.
Genome position (GRCh38, 1-based): chr5:128,374,667, G>A on the plus strand (C>T on the coding strand, the complement: FBN2 is on the minus strand). VCF-style: chr5-128374667-G-A. GRCh37 (hg19) VCF-style: chr5-127710360-G-A.
Other names: short protein forms P686S.
Identifiers: ClinVar variation 959871 (VCV000959871.11), dbSNP rs1752034485, ClinGen allele CA360740243.